The following is an entry in ClinVar:

NM_005762.3(TRIM28):c.1601_1602delinsAC (p.Pro534His)

Gene: TRIM28 (tripartite motif containing 28; plus strand). Cytogenetic location: 19q13.43.
Variant type: Indel.
Coding change: c.1601_1602delinsAC on transcript NM_005762.3 (MANE Select); coding-DNA positions 1601 to 1602, CA replaced by AC.
Protein change: p.Pro534His; replaces proline 534 with histidine.
Molecular consequence: missense variant.
Genome position (GRCh38, 1-based): chr19:58,549,179-58,549,180, CA replaced by AC. VCF-style: chr19-58549179-CA-AC. GRCh37 (hg19) VCF-style: chr19-59060546-CA-AC.
Other names: short protein forms P534H.
Identifiers: ClinVar variation 4753432 (VCV004753432.1).

ClinVar aggregate classification (germline): Uncertain significance (1 of 4 stars; one submission).

Submission:

Labcorp Genetics (formerly Invitae), Labcorp
Classification: Uncertain significance. Last evaluated: 2025-07-27. Review status: criteria provided, single submitter. Criteria: Invitae Variant Classification Sherloc (09022015). Collection method: clinical testing. Allele origin: germline.
Comment: This sequence change replaces proline, which is neutral and non-polar, with histidine, which is basic and polar, at codon 534 of the TRIM28 protein (p.Pro534His). This variant is present in population databases (no rsID available, gnomAD 0.002%). This variant has not been reported in the literature in individuals affected with TRIM28-related conditions. Experimental studies and prediction algorithms are not available or were not evaluated, and the functional significance of this variant is currently unknown. In summary, the available evidence is currently insufficient to determine the role of this variant in disease. Therefore, it has been classified as a Variant of Uncertain Significance.